The following is an entry in ClinVar:

NM_153332.4(ERI1):c.174G>A (p.Ala58=)

Gene: ERI1 (exoribonuclease 1). Cytogenetic location: 8p23.1.
Variant type: single nucleotide variant.
Coding change: c.174G>A on transcript NM_153332.4 (MANE Select); coding-DNA position 174, G replaced by A.
Protein change: p.Ala58=; no amino-acid change (alanine 58 retained).
Molecular consequence: synonymous variant. On other transcripts: 5 prime UTR variant (2).
Genome position (GRCh38, 1-based): chr8:9,008,035, G>A. VCF-style: chr8-9008035-G-A. GRCh37 (hg19) VCF-style: chr8-8865545-G-A.
Other names: c.-61G>A (NM_001354635.2); c.-351G>A (NM_001354636.2); c.174G>A, p.Ala58= (NM_001354638.2).
Identifiers: ClinVar variation 4873717 (VCV004873717.2).
Genomic context (GRCh38, chr8:9,008,035, plus strand): 5'-TCAACAGTGTAAATTTGATGGCCAGGAGACAAAAGGATCCAAGTTCATTACCTCCAGTGC[G>A]AGTGACTTCAGTGACCCGGTTTACAAAGAGATTGCCATTACGAATGGCTGTATTAATAGA-3'
Protein context (NP_699163.2, residues 48-68): TKGSKFITSS[Ala58=]SDFSDPVYKE

ClinVar aggregate classification (germline): Likely benign (1 of 4 stars; one submission).

gnomAD v4.1: 190 of 1,604,528 alleles (0.012%); highest among the groups gnomAD compares: Admixed American, 0.28%; 1 homozygote.

Submission:

CeGaT Center for Human Genetics Tuebingen
Classification: Likely benign. Last evaluated: 2026-06-01. Review status: criteria provided, single submitter. Criteria: CeGaT Center For Human Genetics Tuebingen Variant Classification Criteria Version 2. Collection method: clinical testing. Allele origin: germline. Affected: yes. Observed: 1 variant allele.
Comment: ERI1: BP4, BP7